The following is an entry in ClinVar:

ClinVar aggregate classification (germline): Pathogenic (1 of 4 stars; one submission).

Submission:

Labcorp Genetics (formerly Invitae), Labcorp
Classification: Pathogenic. Last evaluated: 2021-02-07. Review status: criteria provided, single submitter. Criteria: Invitae Variant Classification Sherloc (09022015). Collection method: clinical testing. Allele origin: germline.
Comment: For these reasons, this variant has been classified as Pathogenic. This sequence change creates a premature translational stop signal (p.Val85Glyfs*22) in the FECH gene. It is expected to result in an absent or disrupted protein product. Loss-of-function variants in FECH are known to be pathogenic (PMID: 20105171, 23016163, 23364466). This variant is not present in population databases (ExAC no frequency). This variant has not been reported in the literature in individuals with FECH-related conditions.

Literature cited by the submitters: PubMed 20105171; PubMed 23016163; PubMed 23364466.

NM_000140.5(FECH):c.253dup (p.Val85fs)

Gene: FECH (ferrochelatase; minus strand). Cytogenetic location: 18q21.31.
Variant type: Duplication.
Coding change: c.253dup on transcript NM_000140.5 (MANE Select); coding-DNA position 253, one base duplicated (G; older notation c.253dupG).
Protein change: p.Val85fs; shifts the reading frame from valine 85.
Molecular consequence: frameshift variant.
Genome position (GRCh38, 1-based): chr18:57,573,307, C duplicated on the plus strand (G on the coding strand, the reverse complement: FECH is on the minus strand). VCF-style (leftmost placement, unchanged base first): chr18-57573306-A-AC. GRCh37 (hg19) VCF-style: chr18-55240538-A-AC.
Other names: c.271dup, p.Val91fs (NM_001012515.4); c.253dup, p.Val85fs (NM_001371094.1, NM_001374778.1); c.37dup, p.Val13fs (NM_001371095.1); short protein forms V13fs, V85fs, V91fs.
Identifiers: ClinVar variation 1457748 (VCV001457748.6), dbSNP rs2122329859, ClinGen allele CA2573155439.